The following is an entry in ClinVar:

NM_012179.4(FBXO7):c.284A>T (p.His95Leu)

Gene: FBXO7 (F-box protein 7; plus strand). Cytogenetic location: 22q12.3.
Variant type: single nucleotide variant.
Coding change: c.284A>T on transcript NM_012179.4 (MANE Select); coding-DNA position 284, A replaced by T.
Protein change: p.His95Leu; replaces histidine 95 with leucine.
Molecular consequence: missense variant. On other transcripts: 5 prime UTR variant (1).
Genome position (GRCh38, 1-based): chr22:32,479,142, A>T. VCF-style: chr22-32479142-A-T. GRCh37 (hg19) VCF-style: chr22-32875129-A-T.
Other names: c.47A>T, p.His16Leu (NM_001033024.2); c.-59A>T (NM_001257990.2); short protein forms H95L, H16L.
Identifiers: ClinVar variation 1464858 (VCV001464858.6), dbSNP rs771482489, ClinGen allele CA411330469.

ClinVar aggregate classification (germline): Uncertain significance (1 of 4 stars; one submission).

Conditions:
Parkinsonian-pyramidal syndrome. Also called: PALLIDOPYRAMIDAL SYNDROME; PARKINSON DISEASE 15, AUTOSOMAL RECESSIVE; PARKINSON DISEASE 15, AUTOSOMAL RECESSIVE EARLY-ONSET. Identifiers: Orphanet 171695, MedGen C1850100, MONDO:0009830, OMIM 260300.

Submission:

Labcorp Genetics (formerly Invitae), Labcorp
Classification: Uncertain significance for Parkinsonian-pyramidal syndrome. Last evaluated: 2023-03-10. Review status: criteria provided, single submitter. Criteria: Invitae Variant Classification Sherloc (09022015). Collection method: clinical testing. Allele origin: germline.
Comment: Advanced modeling of protein sequence and biophysical properties (such as structural, functional, and spatial information, amino acid conservation, physicochemical variation, residue mobility, and thermodynamic stability) performed at Invitae indicates that this missense variant is not expected to disrupt FBXO7 protein function. In summary, the available evidence is currently insufficient to determine the role of this variant in disease. Therefore, it has been classified as a Variant of Uncertain Significance. ClinVar contains an entry for this variant (Variation ID: 1464858). This variant has not been reported in the literature in individuals affected with FBXO7-related conditions. This variant is not present in population databases (gnomAD no frequency). This sequence change replaces histidine, which is basic and polar, with leucine, which is neutral and non-polar, at codon 95 of the FBXO7 protein (p.His95Leu).